The following is an entry in ClinVar:

NM_015466.4(PTPN23):c.2866CAGCCCCATCCT[1] (p.956QPHP[1])

Gene: PTPN23 (protein tyrosine phosphatase non-receptor type 23; plus strand). Cytogenetic location: 3p21.31.
Variant type: Microsatellite.
Coding change: c.2866CAGCCCCATCCT[1] on transcript NM_015466.4 (MANE Select); one copy of the 12-base unit CAGCCCCATCCT starting at c.2866; the reference has two copies in a row; one copy, 12 bases deleted.
Protein change: p.956QPHP[1].
Molecular consequence: inframe deletion.
Genome position (GRCh38, 1-based): chr3:47,410,676-47,410,687, CAGCCCCATCCT deleted; deleting any 12 consecutive bases within chr3:47,410,664-47,410,687 gives the same sequence; the position shown is the placement nearest the transcript's 3' end. VCF-style (leftmost placement, unchanged base first): chr3-47410663-CCAGCCCCATCCT-C. GRCh37 (hg19) VCF-style: chr3-47452153-CCAGCCCCATCCT-C.
Other names: c.2878_2889del12 (NM_015466.4); c.2488CAGCCCCATCCT[1], p.830QPHP[1] (NM_001304482.2).
Identifiers: ClinVar variation 636316 (VCV000636316.44), dbSNP rs760022693, ClinGen allele CA2366141.

ClinVar aggregate classification (germline): Conflicting classifications of pathogenicity. Review status: criteria provided, conflicting classifications (1 of 4 stars). 6 submissions from 6 submitters: Uncertain significance (2); Likely benign (3). 1 of the submissions does not count toward it. Last evaluated 2026-06-01.

Conditions:
Neurodevelopmental disorder and structural brain anomalies with or without seizures and spasticity. Identifiers: MedGen C5394423, MONDO:0030046, OMIM 618890.
Brain atrophy. Identifiers: MedGen C4551584, HP:0012444.
Global developmental delay (DD). Also called: Cognitive delay. Identifiers: MedGen C0557874, HP:0001263. Disease mechanism: loss of function.

Submissions (6):

CeGaT Center for Human Genetics Tuebingen
Classification: Likely benign. Last evaluated: 2026-06-01. Review status: criteria provided, single submitter. Criteria: CeGaT Center For Human Genetics Tuebingen Variant Classification Criteria Version 2. Collection method: clinical testing. Allele origin: germline. Affected: yes. Observed: 8 variant alleles.
Comment: PTPN23: PM4, BS2

Labcorp Genetics (formerly Invitae), Labcorp
Classification: Likely benign. Last evaluated: 2026-01-28. Review status: criteria provided, single submitter. Criteria: Invitae Variant Classification Sherloc (09022015). Collection method: clinical testing. Allele origin: germline.

ARUP Laboratories, Molecular Genetics and Genomics, ARUP Laboratories
Classification: Uncertain significance for Neurodevelopmental disorder and structural brain anomalies with or without seizures and spasticity. Last evaluated: 2025-04-16. Review status: criteria provided, single submitter. Criteria: ARUP Molecular Germline Variant Investigation Process 2024. Collection method: clinical testing. Allele origin: germline.

Blueprint Genetics
Classification: Likely benign. Last evaluated: 2024-11-21. Review status: criteria provided, single submitter. Criteria: ACMG Guidelines, 2015. Collection method: clinical testing. Allele origin: germline.

Centre for Mendelian Genomics, University Medical Centre Ljubljana
Classification: Uncertain significance for Neurodevelopmental disorder and structural brain anomalies with or without seizures and spasticity. Last evaluated: 2020-01-30. Review status: criteria provided, single submitter. Criteria: ACMG Guidelines, 2015. Collection method: clinical testing. Allele origin: unknown. Affected: yes.
Comment: This variant was classified as: Uncertain significance. The available evidence on this variant's pathogenicity is insufficient or conflicting. The following ACMG criteria were applied in classifying this variant: No criteria apply.

Regeneron Genetics Center, Regeneron
Classification: Likely pathogenic for Global developmental delay; Brain atrophy. Last evaluated: 2019-02-15. Review status: no assertion criteria provided. Collection method: research. Allele origin: germline. Affected: yes. Not counted in ClinVar's aggregate classification.
Comment: Identified in cohort of patients with neurodevelopmental disorder accompanied by structural brain abnormalities